The following is an entry in ClinVar:

ClinVar aggregate classification (germline): Uncertain significance (1 of 4 stars; one submission).

Conditions:
Peroxisome biogenesis disorder. Identifiers: Orphanet 79189, MedGen C1832200, MONDO:0019234. Disease mechanism: loss of function.

Allele frequency attached by ClinVar (database versions not stated): gnomAD exomes below 0.00001; TOPMed 0.00001.
gnomAD v4.1: 4 of 1,559,182 alleles (0.00026%); highest among the groups gnomAD compares: Admixed American, 0.0037%; no homozygotes.

Submission:

Labcorp Genetics (formerly Invitae), Labcorp
Classification: Uncertain significance for Peroxisome biogenesis disorder. Last evaluated: 2022-08-03. Review status: criteria provided, single submitter. Criteria: Invitae Variant Classification Sherloc (09022015). Collection method: clinical testing. Allele origin: germline.
Comment: This sequence change replaces proline, which is neutral and non-polar, with leucine, which is neutral and non-polar, at codon 18 of the PEX6 protein (p.Pro18Leu). The frequency data for this variant in the population databases is considered unreliable, as metrics indicate poor data quality at this position in the gnomAD database. This variant has not been reported in the literature in individuals affected with PEX6-related conditions. Algorithms developed to predict the effect of missense changes on protein structure and function (SIFT, PolyPhen-2, Align-GVGD) all suggest that this variant is likely to be tolerated. In summary, the available evidence is currently insufficient to determine the role of this variant in disease. Therefore, it has been classified as a Variant of Uncertain Significance.

NM_000287.4(PEX6):c.53C>T (p.Pro18Leu)

Gene: PEX6 (peroxisomal biogenesis factor 6; minus strand). Cytogenetic location: 6p21.1.
Variant type: single nucleotide variant.
Coding change: c.53C>T on transcript NM_000287.4 (MANE Select); coding-DNA position 53, C replaced by T.
Protein change: p.Pro18Leu; replaces proline 18 with leucine.
Molecular consequence: missense variant. On other transcripts: non-coding transcript variant (1).
Genome position (GRCh38, 1-based): chr6:42,979,098, G>A on the plus strand (C>T on the coding strand, the complement: PEX6 is on the minus strand). VCF-style: chr6-42979098-G-A. GRCh37 (hg19) VCF-style: chr6-42946836-G-A.
Other names: c.53C>T, p.Pro18Leu (NM_001316313.2); short protein forms P18L.
Identifiers: ClinVar variation 2160495 (VCV002160495.1), dbSNP rs757070629, ClinGen allele CA364169570.